The following is an entry in ClinVar:

ClinVar aggregate classification (germline): Uncertain significance (1 of 4 stars; one submission).

Conditions:
Baller-Gerold syndrome (BGS). Also called: CRANIOSYNOSTOSIS WITH RADIAL DEFECTS. Identifiers: Orphanet 1225, MedGen C0265308, MONDO:0009039, OMIM 218600.

Allele frequency attached by ClinVar (database versions not stated): TOPMed below 0.00001; gnomAD 0.00001.
gnomAD v4.1: 1 of 1,487,148 alleles (0.000067%); highest among the groups gnomAD compares: Admixed American, 0.0023%; no homozygotes.

Submission:

Labcorp Genetics (formerly Invitae), Labcorp
Classification: Uncertain significance for Baller-Gerold syndrome. Last evaluated: 2024-02-24. Review status: criteria provided, single submitter. Criteria: Invitae Variant Classification Sherloc (09022015). Collection method: clinical testing. Allele origin: germline.
Comment: This sequence change replaces glutamic acid, which is acidic and polar, with lysine, which is basic and polar, at codon 37 of the RECQL4 protein (p.Glu37Lys). This variant is not present in population databases (gnomAD no frequency). This variant has not been reported in the literature in individuals affected with RECQL4-related conditions. ClinVar contains an entry for this variant (Variation ID: 838772). Experimental studies and prediction algorithms are not available or were not evaluated, and the functional significance of this variant is currently unknown. In summary, the available evidence is currently insufficient to determine the role of this variant in disease. Therefore, it has been classified as a Variant of Uncertain Significance.

NM_004260.4(RECQL4):c.109G>A (p.Glu37Lys)

Genes: RECQL4 (RecQ like helicase 4; minus strand), LOC130001411 (ATAC-STARR-seq lymphoblastoid silent region 19699; plus strand). Cytogenetic location: 8q24.3.
Variant type: single nucleotide variant.
Coding change: c.109G>A on transcript NM_004260.4 (MANE Select); coding-DNA position 109, G replaced by A.
Protein change: p.Glu37Lys; replaces glutamic acid 37 with lysine.
Molecular consequence: missense variant.
Genome position (GRCh38, 1-based): chr8:144,517,611, C>T on the plus strand (G>A on the coding strand, the complement: RECQL4 is on the minus strand). VCF-style: chr8-144517611-C-T. GRCh37 (hg19) VCF-style: chr8-145742995-C-T.
Other names: short protein forms E37K.
Identifiers: ClinVar variation 838772 (VCV000838772.7), dbSNP rs1395545206, ClinGen allele CA372693403.